The following is an entry in ClinVar:

ClinVar aggregate classification (germline): Pathogenic. Review status: criteria provided, multiple submitters, no conflicts (2 of 4 stars). 3 submissions from 3 submitters: Pathogenic (3). Last evaluated 2025-05-25.

Conditions:
Methylcobalamin deficiency type cblG (HMAG). Also called: Functional methionine synthase deficiency type cblG; HOMOCYSTINURIA-MEGALOBLASTIC ANEMIA DUE TO DEFECT IN COBALAMIN METABOLISM, cblG COMPLEMENTATION TYPE; HOMOCYSTINURIA-MEGALOBLASTIC ANEMIA, cblG COMPLEMENTATION TYPE; HOMOCYSTINURIA-MEGALOBLASTIC ANEMIA, cblG TYPE. Identifiers: Orphanet 2170, Orphanet 622, MedGen C1855128, MONDO:0009609, OMIM 250940.

Allele frequency attached by ClinVar (database versions not stated): gnomAD exomes below 0.00001 and 0.00001; TOPMed below 0.00001.

Submissions (3):

Labcorp Genetics (formerly Invitae), Labcorp
Classification: Pathogenic for Methylcobalamin deficiency type cblG. Last evaluated: 2025-05-25. Review status: criteria provided, single submitter. Criteria: Invitae Variant Classification Sherloc (09022015). Collection method: clinical testing. Allele origin: germline.
Comment: This sequence change creates a premature translational stop signal (p.Ile1201Leufs*3) in the MTR gene. It is expected to result in an absent or disrupted protein product. Loss-of-function variants in MTR are known to be pathogenic (PMID: 9683607, 12068375). This variant is present in population databases (no rsID available, gnomAD 0.0009%). This premature translational stop signal has been observed in individual(s) with MRT-related conditions (PMID: 34269512). ClinVar contains an entry for this variant (Variation ID: 596996). For these reasons, this variant has been classified as Pathogenic.

Women's Health and Genetics/Laboratory Corporation of America, LabCorp
Classification: Pathogenic for Methylcobalamin deficiency type cblG. Last evaluated: 2024-07-02. Review status: criteria provided, single submitter. Criteria: LabCorp Variant Classification Summary - May 2015. Collection method: clinical testing. Allele origin: germline.
Comment: Variant summary: MTR c.3600delC (p.Ile1201LeufsX3) results in a premature termination codon, predicted to cause a truncation of the encoded protein or absence of the protein due to nonsense mediated decay, which are commonly known mechanisms for disease. The variant allele was found at a frequency of 4e-06 in 251422 control chromosomes. c.3600delC has been reported in the literature as a compound heterozygous genotype in at-least one individual affected with isolated homocysteine re-methylation defect, a feature of Methylcobalamin deficiency type cblG (example, Whitehouse_2023). The following publication has been ascertained in the context of this evaluation (PMID: 37404677). ClinVar contains an entry for this variant (Variation ID: 596996). Based on the evidence outlined above, the variant was classified as pathogenic.

Eurofins Ntd Llc (ga)
Classification: Pathogenic. Last evaluated: 2018-04-23. Review status: criteria provided, single submitter. Criteria: EGL ClinVar v180209 classification definitions. Collection method: clinical testing. Allele origin: germline. Observed: 1 variant allele, 1 heterozygote.

Literature cited by the submitters: PubMed 9683607 (cited by Labcorp Genetics (formerly Invitae), Labcorp); PubMed 12068375 (cited by Labcorp Genetics (formerly Invitae), Labcorp); PubMed 34269512 (cited by Labcorp Genetics (formerly Invitae), Labcorp); PubMed 37404677 (cited by Women's Health and Genetics/Laboratory Corporation of America, LabCorp).

NM_000254.3(MTR):c.3600del (p.Ile1201fs)

Gene: MTR (5-methyltetrahydrofolate-homocysteine methyltransferase; plus strand). Cytogenetic location: 1q43.
Variant type: Deletion.
Coding change: c.3600del on transcript NM_000254.3 (MANE Select); coding-DNA position 3600, one base deleted (C; older notation c.3600delC).
Protein change: p.Ile1201fs; shifts the reading frame from isoleucine 1201.
Molecular consequence: frameshift variant.
Genome position (GRCh38, 1-based): chr1:236,897,007, C deleted. VCF-style (leftmost placement, unchanged base first): chr1-236897006-GC-G. GRCh37 (hg19) VCF-style: chr1-237060306-GC-G.
Other names: c.3600delC (NM_000254.3); c.3447del, p.Ile1150fs (NM_001291939.1); c.2379del, p.Ile794fs (NM_001291940.2); short protein forms I1201fs, I1150fs, I794fs.
Identifiers: ClinVar variation 596996 (VCV000596996.9), dbSNP rs1346847201, ClinGen allele CA529536070.